The following is an entry in ClinVar:

ClinVar aggregate classification (germline): Uncertain significance (1 of 4 stars; one submission).

Conditions:
Jeune thoracic dystrophy. Also called: Jeune syndrome; Infantile thoracic dystrophy; Thoracic pelvic phalangeal dystrophy; Jeune's syndrome; Chondroectodermal dysplasia-like syndrome; Short-rib thoracic dysplasia. Identifiers: Orphanet 474, MedGen C0265275, MONDO:0018770.

Submission:

Labcorp Genetics (formerly Invitae), Labcorp
Classification: Uncertain significance for Jeune thoracic dystrophy. Last evaluated: 2023-10-13. Review status: criteria provided, single submitter. Criteria: Invitae Variant Classification Sherloc (09022015). Collection method: clinical testing. Allele origin: germline.
Comment: This sequence change replaces isoleucine, which is neutral and non-polar, with threonine, which is neutral and polar, at codon 429 of the IFT80 protein (p.Ile429Thr). This variant is not present in population databases (gnomAD no frequency). This variant has not been reported in the literature in individuals affected with IFT80-related conditions. ClinVar contains an entry for this variant (Variation ID: 1518256). Advanced modeling of protein sequence and biophysical properties (such as structural, functional, and spatial information, amino acid conservation, physicochemical variation, residue mobility, and thermodynamic stability) performed at Invitae indicates that this missense variant is not expected to disrupt IFT80 protein function. In summary, the available evidence is currently insufficient to determine the role of this variant in disease. Therefore, it has been classified as a Variant of Uncertain Significance.

NM_020800.3(IFT80):c.1286T>C (p.Ile429Thr)

Genes: IFT80 (intraflagellar transport 80; minus strand), TRIM59-IFT80 (TRIM59-IFT80 readthrough (NMD candidate); minus strand). Cytogenetic location: 3q25.33.
Variant type: single nucleotide variant.
Coding change: c.1286T>C on transcript NM_020800.3 (MANE Select); coding-DNA position 1286, T replaced by C.
Protein change: p.Ile429Thr; replaces isoleucine 429 with threonine.
Molecular consequence: missense variant. On other transcripts: non-coding transcript variant (3).
Genome position (GRCh38, 1-based): chr3:160,300,912, A>G on the plus strand (T>C on the coding strand, the complement: IFT80 is on the minus strand). VCF-style: chr3-160300912-A-G. GRCh37 (hg19) VCF-style: chr3-160018700-A-G.
Other names: c.875T>C, p.Ile292Thr (NM_001190241.2, NM_001190242.2); short protein forms I292T, I429T.
Identifiers: ClinVar variation 1518256 (VCV001518256.6), dbSNP rs2108267139, ClinGen allele CA355193535.